The following is an entry in ClinVar:

NM_182961.4(SYNE1):c.22307A>G (p.His7436Arg)

Gene: SYNE1 (spectrin repeat containing nuclear envelope protein 1; minus strand). Cytogenetic location: 6q25.2.
Variant type: single nucleotide variant.
Coding change: c.22307A>G on transcript NM_182961.4 (MANE Select); coding-DNA position 22307, A replaced by G.
Protein change: p.His7436Arg; replaces histidine 7436 with arginine.
Molecular consequence: missense variant.
Genome position (GRCh38, 1-based): chr6:152,214,945, T>C on the plus strand (A>G on the coding strand, the complement: SYNE1 is on the minus strand). VCF-style: chr6-152214945-T-C. GRCh37 (hg19) VCF-style: chr6-152536080-T-C.
Other names: c.22094A>G, p.His7365Arg (NM_033071.5); short protein forms H7365R, H7436R.
Identifiers: ClinVar variation 1695170 (VCV001695170.31), dbSNP rs558199276, ClinGen allele CA4053911.

ClinVar aggregate classification (germline): Uncertain significance (1 of 4 stars; one submission).

Allele frequency attached by ClinVar (database versions not stated): ExAC 0.00001; gnomAD 0.00001; gnomAD exomes 0.00001; 1000 Genomes Project 30x 0.00016; 1000 Genomes Project 0.00020.
gnomAD v4.1: 5 of 1,614,172 alleles (0.00031%); highest among the groups gnomAD compares: Middle Eastern, 0.017%; no homozygotes.

Submission:

CeGaT Center for Human Genetics Tuebingen
Classification: Uncertain significance. Last evaluated: 2022-05-01. Review status: criteria provided, single submitter. Criteria: CeGaT Center For Human Genetics Tuebingen Variant Classification Criteria Version 2. Collection method: clinical testing. Allele origin: germline. Affected: yes. Observed: 1 variant allele.
Comment: SYNE1: PM2, BP4